The following is an entry in ClinVar:

NM_212482.4(FN1):c.5509A>C (p.Asn1837His)

Gene: FN1 (fibronectin 1; minus strand). Cytogenetic location: 2q35.
Variant type: single nucleotide variant.
Coding change: c.5509A>C on transcript NM_212482.4 (MANE Select); coding-DNA position 5509, A replaced by C.
Protein change: p.Asn1837His; replaces asparagine 1837 with histidine.
Molecular consequence: missense variant.
Genome position (GRCh38, 1-based): chr2:215,379,243, T>G on the plus strand (A>C on the coding strand, the complement: FN1 is on the minus strand). VCF-style: chr2-215379243-T-G. GRCh37 (hg19) VCF-style: chr2-216243966-T-G.
Other names: c.5509A>C, p.Asn1837His (NM_001306129.2); c.5239A>C, p.Asn1747His (NM_001306130.2, NM_001365517.2, NM_001365519.2 and 2 more transcripts); c.4966A>C, p.Asn1656His (NM_001306131.2, NM_001306132.2, NM_001365523.2 and 2 more transcripts); c.5236A>C, p.Asn1746His (NM_001365518.2, NM_001365520.2, NM_001365524.2 and 2 more transcripts); short protein forms N1746H, N1656H, N1747H, N1837H.
Identifiers: ClinVar variation 1981979 (VCV001981979.4), dbSNP rs1374689113, ClinGen allele CA350473127.

ClinVar aggregate classification (germline): Uncertain significance (1 of 4 stars; one submission).

Allele frequency attached by ClinVar (database versions not stated): TOPMed below 0.00001; gnomAD 0.00001; gnomAD exomes 0.00001.
gnomAD v4.1: 17 of 1,613,952 alleles (0.0011%); highest among the groups gnomAD compares: Non-Finnish European, 0.0014%; no homozygotes.

Submission:

Labcorp Genetics (formerly Invitae), Labcorp
Classification: Uncertain significance. Last evaluated: 2025-06-12. Review status: criteria provided, single submitter. Criteria: Invitae Variant Classification Sherloc (09022015). Collection method: clinical testing. Allele origin: germline.
Comment: This sequence change replaces asparagine, which is neutral and polar, with histidine, which is basic and polar, at codon 1837 of the FN1 protein (p.Asn1837His). This variant is not present in population databases (gnomAD no frequency). This variant has not been reported in the literature in individuals affected with FN1-related conditions. ClinVar contains an entry for this variant (Variation ID: 1981979). An algorithm developed to predict the effect of missense changes on protein structure and function (PolyPhen-2) suggests that this variant is likely to be tolerated. In summary, the available evidence is currently insufficient to determine the role of this variant in disease. Therefore, it has been classified as a Variant of Uncertain Significance.